The following is an entry in ClinVar:

ClinVar aggregate classification (germline): Uncertain significance. Review status: criteria provided, multiple submitters, no conflicts (2 of 4 stars). 3 submissions from 3 submitters: Uncertain significance (3). Last evaluated 2025-11-28.

Conditions:
Hereditary cancer-predisposing syndrome. Also called: Hereditary neoplastic syndrome; Neoplastic Syndromes, Hereditary; Tumor predisposition; Hereditary Cancer Syndrome. Identifiers: Orphanet 140162, MedGen C0027672, MeSH D009386, MONDO:0015356.
Hereditary diffuse gastric adenocarcinoma (HDGC). Also called: DIFFUSE GASTRIC AND LOBULAR BREAST CANCER SYNDROME. Identifiers: Orphanet 26106, MedGen C1708349, MONDO:0007648, OMIM 137215.

Allele frequency attached by ClinVar (database versions not stated): gnomAD exomes 0.00001; ExAC 0.00002.
gnomAD v4.1: 7 of 1,613,984 alleles (0.00043%); highest among the groups gnomAD compares: South Asian, 0.0077%; no homozygotes.

Submissions (3):

Ambry Genetics
Classification: Uncertain significance for Hereditary cancer-predisposing syndrome. Last evaluated: 2025-11-28. Review status: criteria provided, single submitter. Criteria: Ambry Variant Classification Scheme 2023. Collection method: clinical testing. Allele origin: germline.
Comment: The p.K816N variant (also known as c.2448A>C), located in coding exon 16 of the CDH1 gene, results from an A to C substitution at nucleotide position 2448. The lysine at codon 816 is replaced by asparagine, an amino acid with similar properties. This amino acid position is well conserved in available vertebrate species. In addition, this alteration is predicted to be tolerated by in silico analysis. Since supporting evidence is limited at this time, the clinical significance of this alteration remains unclear.

Labcorp Genetics (formerly Invitae), Labcorp
Classification: Uncertain significance for Hereditary diffuse gastric adenocarcinoma. Last evaluated: 2025-02-21. Review status: criteria provided, single submitter. Criteria: Invitae Variant Classification Sherloc (09022015). Collection method: clinical testing. Allele origin: germline.
Comment: This sequence change replaces lysine, which is basic and polar, with asparagine, which is neutral and polar, at codon 816 of the CDH1 protein (p.Lys816Asn). This variant is present in population databases (rs762704513, gnomAD 0.006%). This variant has not been reported in the literature in individuals affected with CDH1-related conditions. ClinVar contains an entry for this variant (Variation ID: 463763). An algorithm developed to predict the effect of missense changes on protein structure and function (PolyPhen-2) suggests that this variant is likely to be disruptive. In summary, the available evidence is currently insufficient to determine the role of this variant in disease. Therefore, it has been classified as a Variant of Uncertain Significance.

Color Diagnostics, LLC DBA Color Health
Classification: Uncertain significance for Hereditary cancer-predisposing syndrome. Last evaluated: 2023-12-04. Review status: criteria provided, single submitter. Criteria: ACMG Guidelines, 2015. Collection method: clinical testing. Allele origin: germline.
Comment: This missense variant replaces lysine with asparagine at codon 816 of the CDH1 protein. To our knowledge, functional studies have not been reported for this variant. This variant has not been reported in individuals affected with hereditary cancer in the literature. This variant has been identified in 2/251454 chromosomes in the general population by the Genome Aggregation Database (gnomAD). The available evidence is insufficient to determine the role of this variant in disease conclusively. Therefore, this variant is classified as a Variant of Uncertain Significance.

NM_004360.5(CDH1):c.2448A>C (p.Lys816Asn)

Gene: CDH1 (cadherin 1; plus strand). Cytogenetic location: 16q22.1.
Variant type: single nucleotide variant.
Coding change: c.2448A>C on transcript NM_004360.5 (MANE Select); coding-DNA position 2448, A replaced by C.
Protein change: p.Lys816Asn; replaces lysine 816 with asparagine.
Molecular consequence: missense variant.
Genome position (GRCh38, 1-based): chr16:68,833,298, A>C. VCF-style: chr16-68833298-A-C. GRCh37 (hg19) VCF-style: chr16-68867201-A-C.
Other names: c.2448A>C (LRG_301t1); c.2265A>C, p.Lys755Asn (NM_001317184.2); c.900A>C, p.Lys300Asn (NM_001317185.2); c.483A>C, p.Lys161Asn (NM_001317186.2); short protein forms K816N, K161N, K300N, K755N.
Identifiers: ClinVar variation 463763 (VCV000463763.18), dbSNP rs762704513, ClinGen allele CA8130295.